The following is an entry in ClinVar:

NM_000136.3(FANCC):c.827T>G (p.Ile276Arg)

Genes: FANCC (FA complementation group C; minus strand), AOPEP (aminopeptidase O (putative); plus strand). Cytogenetic location: 9q22.32.
Variant type: single nucleotide variant.
Coding change: c.827T>G on transcript NM_000136.3 (MANE Select); coding-DNA position 827, T replaced by G.
Protein change: p.Ile276Arg; replaces isoleucine 276 with arginine.
Molecular consequence: missense variant.
Genome position (GRCh38, 1-based): chr9:95,135,362, A>C on the plus strand (T>G on the coding strand, the complement: FANCC is on the minus strand). VCF-style: chr9-95135362-A-C. GRCh37 (hg19) VCF-style: chr9-97897644-A-C.
Other names: c.827T>G, p.Ile276Arg (NM_001243743.2, NM_001243744.2); short protein forms I276R.
Identifiers: ClinVar variation 3230398 (VCV003230398.1), dbSNP rs2541398710, ClinGen allele CA374109200.

ClinVar aggregate classification (germline): Uncertain significance (1 of 4 stars; one submission).

Conditions:
Hereditary cancer-predisposing syndrome. Also called: Neoplastic Syndromes, Hereditary; Tumor predisposition; Hereditary neoplastic syndrome; Hereditary Cancer Syndrome. Identifiers: Orphanet 140162, MedGen C0027672, MeSH D009386, MONDO:0015356.

Submission:

Ambry Genetics
Classification: Uncertain significance for Hereditary cancer-predisposing syndrome. Last evaluated: 2022-12-31. Review status: criteria provided, single submitter. Criteria: Ambry Variant Classification Scheme 2023. Collection method: clinical testing. Allele origin: germline.
Comment: The p.I276R variant (also known as c.827T>G), located in coding exon 7 of the FANCC gene, results from a T to G substitution at nucleotide position 827. The isoleucine at codon 276 is replaced by arginine, an amino acid with similar properties. This amino acid position is conserved. In addition, this alteration is predicted to be tolerated by in silico analysis. Since supporting evidence is limited at this time, the clinical significance of this alteration remains unclear.